The following is an entry in ClinVar:

ClinVar aggregate classification (germline): Uncertain significance. Review status: criteria provided, multiple submitters, no conflicts (2 of 4 stars). 7 submissions from 5 submitters: Uncertain significance (6). 1 of the submissions does not count toward it. Last evaluated 2024-10-16.

Conditions:
Retinitis pigmentosa 12 (RP12). Also called: RP WITH OR WITHOUT PRESERVED PARAARTERIOLE RETINAL PIGMENT EPITHELIUM; RETINITIS PIGMENTOSA WITH OR WITHOUT PARAARTERIOLAR PRESERVATION OF RETINAL PIGMENT EPITHELIUM; RP WITH OR WITHOUT PPRPE. Identifiers: Orphanet 791, MedGen C1838647, MONDO:0010818, OMIM 600105.
Pigmented paravenous retinochoroidal atrophy. Identifiers: Orphanet 251295, MedGen C1868310, MONDO:0008246, OMIM 172870.
Leber congenital amaurosis 8 (LCA8). Identifiers: Orphanet 65, MedGen C3151202, MONDO:0013453, OMIM 613835.
Leber congenital amaurosis (LCA). Also called: Leber's amaurosis. Identifiers: Orphanet 65, MedGen C0339527, MeSH D057130, MONDO:0018998.

Allele frequency attached by ClinVar (database versions not stated): ExAC 0.00002; gnomAD exomes 0.00002; TOPMed 0.00002; gnomAD 0.00004; 1000 Genomes Project 30x 0.00016; 1000 Genomes Project 0.00020.
gnomAD v4.1: 53 of 1,613,746 alleles (0.0033%); highest among the groups gnomAD compares: East Asian, 0.0067%; no homozygotes.

Submissions (7):

Labcorp Genetics (formerly Invitae), Labcorp
Classification: Uncertain significance for Leber congenital amaurosis 8; Retinitis pigmentosa 12. Last evaluated: 2024-10-16. Review status: criteria provided, single submitter. Criteria: Invitae Variant Classification Sherloc (09022015). Collection method: clinical testing. Allele origin: germline.
Comment: This sequence change replaces arginine, which is basic and polar, with glutamine, which is neutral and polar, at codon 744 of the CRB1 protein (p.Arg744Gln). This variant is present in population databases (rs530046423, gnomAD 0.005%). This variant has not been reported in the literature in individuals affected with CRB1-related conditions. ClinVar contains an entry for this variant (Variation ID: 968342). An algorithm developed to predict the effect of missense changes on protein structure and function outputs the following: PolyPhen-2: "Benign". The glutamine amino acid residue is found in multiple mammalian species, which suggests that this missense change does not adversely affect protein function. In summary, the available evidence is currently insufficient to determine the role of this variant in disease. Therefore, it has been classified as a Variant of Uncertain Significance.

Blueprint Genetics
Classification: Uncertain significance. Last evaluated: 2023-05-12. Review status: criteria provided, single submitter. Criteria: ACMG Guidelines, 2015. Collection method: clinical testing. Allele origin: germline.

Genome-Nilou Lab
Classification: Uncertain significance for Leber congenital amaurosis 8. Last evaluated: 2023-04-11. Review status: criteria provided, single submitter. Criteria: ACMG Guidelines, 2015. Collection method: clinical testing. Allele origin: germline. Affected: no.

Genome-Nilou Lab
Classification: Uncertain significance for Pigmented paravenous retinochoroidal atrophy. Last evaluated: 2023-04-11. Review status: criteria provided, single submitter. Criteria: ACMG Guidelines, 2015. Collection method: clinical testing. Allele origin: germline. Affected: no.

Genome-Nilou Lab
Classification: Uncertain significance for Retinitis pigmentosa 12. Last evaluated: 2023-04-11. Review status: criteria provided, single submitter. Criteria: ACMG Guidelines, 2015. Collection method: clinical testing. Allele origin: germline. Affected: no.

Fulgent Genetics
Classification: Uncertain significance for Pigmented paravenous retinochoroidal atrophy; Retinitis pigmentosa 12; Leber congenital amaurosis 8. Last evaluated: 2022-01-22. Review status: criteria provided, single submitter. Criteria: ACMG Guidelines, 2015. Collection method: clinical testing. Allele origin: unknown.

Natera, Inc.
Classification: Uncertain significance for Leber congenital amaurosis. Last evaluated: 2020-02-05. Review status: no assertion criteria provided. Collection method: clinical testing. Allele origin: germline. Not counted in ClinVar's aggregate classification.

NM_201253.3(CRB1):c.2231G>A (p.Arg744Gln)

Gene: CRB1 (crumbs cell polarity complex component 1; plus strand). Cytogenetic location: 1q31.3.
Variant type: single nucleotide variant.
Coding change: c.2231G>A on transcript NM_201253.3 (MANE Select); coding-DNA position 2231, G replaced by A.
Protein change: p.Arg744Gln; replaces arginine 744 with glutamine.
Molecular consequence: missense variant. On other transcripts: non-coding transcript variant (2), intron variant (1).
Genome position (GRCh38, 1-based): chr1:197,427,556, G>A. VCF-style: chr1-197427556-G-A. GRCh37 (hg19) VCF-style: chr1-197396686-G-A.
Other names: c.1895G>A, p.Arg632Gln (NM_001193640.2); c.2024G>A, p.Arg675Gln (NM_001257965.2); c.2128+5600G>A (NM_001257966.2); short protein forms R632Q, R744Q, R675Q.
Identifiers: ClinVar variation 968342 (VCV000968342.7), dbSNP rs530046423, ClinGen allele CA1312080.
Genomic context (GRCh38, chr1:197,427,556, plus strand): 5'-ATGTCATCTTTACTCTTGATGAGAGCTATGGAGACACCATCAGCCTCTCCATGTTTGTCC[G>A]AACGCTTCAACCATCAGGCTTACTTCTAGCTTTGGAAAACAGCACTTATCAATATATCCG-3'
Protein context (NP_957705.1, residues 734-754): GDTISLSMFV[Arg744Gln]TLQPSGLLLA